The following is an entry in ClinVar:

ClinVar aggregate classification (germline): Likely benign. Review status: criteria provided, multiple submitters, no conflicts (2 of 4 stars). 2 submissions from 2 submitters: Likely benign (2). Last evaluated 2025-11-08.

Conditions:
Spastic paraplegia. Identifiers: MedGen C0037772, HP:0001258.

Allele frequency attached by ClinVar (database versions not stated): gnomAD exomes 0.00001 and 0.00002; TOPMed 0.00002; ExAC 0.00003; ESP Exome Variant Server 0.00015.
gnomAD v4.1: 19 of 1,614,184 alleles (0.0012%); highest among the groups gnomAD compares: Non-Finnish European, 0.0014%; no homozygotes.

Submissions (2):

Labcorp Genetics (formerly Invitae), Labcorp
Classification: Likely benign for Spastic paraplegia. Last evaluated: 2025-11-08. Review status: criteria provided, single submitter. Criteria: Invitae Variant Classification Sherloc (09022015). Collection method: clinical testing. Allele origin: germline.

Mayo Clinic Laboratories, Mayo Clinic
Classification: Likely benign. Last evaluated: 2023-08-08. Review status: criteria provided, single submitter. Criteria: ACMG Guidelines, 2015. Collection method: clinical testing. Allele origin: germline. Observed: 3 variant alleles.
Comment: BP4, BP7

NM_015346.4(ZFYVE26):c.7372-4A>G

Gene: ZFYVE26 (zinc finger FYVE-type containing 26; minus strand). Cytogenetic location: 14q24.1.
Variant type: single nucleotide variant.
Coding change: c.7372-4A>G on transcript NM_015346.4 (MANE Select); 4 bases into the intron before coding-DNA position 7372, A replaced by G.
Molecular consequence: intron variant.
Genome position (GRCh38, 1-based): chr14:67,751,100, T>C on the plus strand (A>G on the coding strand, the complement: ZFYVE26 is on the minus strand). VCF-style: chr14-67751100-T-C. GRCh37 (hg19) VCF-style: chr14-68217817-T-C.
Other names: p.?.
Identifiers: ClinVar variation 695460 (VCV000695460.11), dbSNP rs369143197, ClinGen allele CA7238971.